The following is an entry in ClinVar:

NM_002519.3(NPAT):c.2212G>A (p.Val738Ile)

Gene: NPAT (nuclear protein, coactivator of histone transcription; minus strand). Cytogenetic location: 11q22.3.
Variant type: single nucleotide variant.
Coding change: c.2212G>A on transcript NM_002519.3 (MANE Select); coding-DNA position 2212, G replaced by A.
Protein change: p.Val738Ile; replaces valine 738 with isoleucine.
Molecular consequence: missense variant.
Genome position (GRCh38, 1-based): chr11:108,172,772, C>T on the plus strand (G>A on the coding strand, the complement: NPAT is on the minus strand). VCF-style: chr11-108172772-C-T. GRCh37 (hg19) VCF-style: chr11-108043499-C-T.
Other names: c.2212G>A, p.Val738Ile (NM_001321307.1); short protein forms V738I.
Identifiers: ClinVar variation 1787787 (VCV001787787.4), dbSNP rs376339017, ClinGen allele CA6263857.

ClinVar aggregate classification (germline): Uncertain significance. Review status: criteria provided, multiple submitters, no conflicts (2 of 4 stars). 2 submissions from 2 submitters: Uncertain significance (2). Last evaluated 2025-11-12.

Allele frequency attached by ClinVar (database versions not stated): gnomAD 0.00009; ESP Exome Variant Server 0.00008; ExAC 0.00009.
gnomAD v4.1: 176 of 1,613,408 alleles (0.011%); highest among the groups gnomAD compares: Middle Eastern, 0.033%; 1 homozygote.

Submissions (2):

Labcorp Genetics (formerly Invitae), Labcorp
Classification: Uncertain significance. Last evaluated: 2025-11-12. Review status: criteria provided, single submitter. Criteria: Invitae Variant Classification Sherloc (09022015). Collection method: clinical testing. Allele origin: germline.
Comment: This sequence change replaces valine, which is neutral and non-polar, with isoleucine, which is neutral and non-polar, at codon 738 of the NPAT protein (p.Val738Ile). This variant is present in population databases (rs376339017, gnomAD 0.02%). This variant has not been reported in the literature in individuals affected with NPAT-related conditions. ClinVar contains an entry for this variant (Variation ID: 1787787). An algorithm developed to predict the effect of missense changes on protein structure and function (PolyPhen-2) suggests that this variant is likely to be disruptive. In summary, the available evidence is currently insufficient to determine the role of this variant in disease. Therefore, it has been classified as a Variant of Uncertain Significance.

Ambry Genetics
Classification: Uncertain significance. Last evaluated: 2022-10-12. Review status: criteria provided, single submitter. Criteria: Ambry Variant Classification Scheme 2023. Collection method: clinical testing. Allele origin: germline.
Comment: The p.V738I variant (also known as c.2212G>A), located in coding exon 13 of the NPAT gene, results from a G to A substitution at nucleotide position 2212. The valine at codon 738 is replaced by isoleucine, an amino acid with highly similar properties. This amino acid position is conserved. In addition, this alteration is predicted to be tolerated by in silico analysis. Since supporting evidence is limited at this time, the clinical significance of this alteration remains unclear.